The following is an entry in ClinVar:

ClinVar aggregate classification (germline): Uncertain significance (1 of 4 stars; one submission).

Submission:

GeneDx
Classification: Uncertain significance. Last evaluated: 2025-05-05. Review status: criteria provided, single submitter. Criteria: GeneDx Variant Classification Process June 2021. Collection method: clinical testing. Allele origin: germline. Affected: yes.
Comment: Not observed at significant frequency in large population cohorts (gnomAD); In silico analysis suggests that this missense variant does not alter protein structure/function; Has not been previously published as pathogenic or benign to our knowledge

NM_006494.4(ERF):c.1432A>G (p.Met478Val)

Gene: ERF (ETS2 repressor factor; minus strand). Cytogenetic location: 19q13.2.
Variant type: single nucleotide variant.
Coding change: c.1432A>G on transcript NM_006494.4 (MANE Select); coding-DNA position 1432, A replaced by G.
Protein change: p.Met478Val; replaces methionine 478 with valine.
Molecular consequence: missense variant.
Genome position (GRCh38, 1-based): chr19:42,248,680, T>C on the plus strand (A>G on the coding strand, the complement: ERF is on the minus strand). VCF-style: chr19-42248680-T-C. GRCh37 (hg19) VCF-style: chr19-42752832-T-C.
Other names: c.1207A>G, p.Met403Val (NM_001301035.2, NM_001308402.2, NM_001312656.2); short protein forms M403V, M478V.
Identifiers: ClinVar variation 2505674 (VCV002505674.2), dbSNP rs562281233, ClinGen allele CA406104896.
Genomic context (GRCh38, chr19:42,248,680, plus strand): 5'-CACCCCCTTCGAGGCGACAGTCTTCACTCCAGCGCCGCTTAAAGCGTAGCTTGAGGGGCA[T>C]GCACTGGGATGCCCCGGGTGCCTCGCCGGGCTCAGGCTTAGGGGGTGCAGGTGGGGCACG-3'
Protein context (NP_006485.2, residues 468-488): PGEAPGASQC[Met478Val]PLKLRFKRRW